The following is an entry in ClinVar:

ClinVar aggregate classification (germline): Uncertain significance. Review status: criteria provided, multiple submitters, no conflicts (2 of 4 stars). 2 submissions from 2 submitters: Uncertain significance (2). Last evaluated 2023-09-26.

Conditions:
Hereditary nonpolyposis colorectal neoplasms. Identifiers: MedGen C0009405, MeSH D003123.
Hereditary cancer-predisposing syndrome. Also called: Hereditary Cancer Syndrome; Neoplastic Syndromes, Hereditary; Tumor predisposition; Hereditary neoplastic syndrome. Identifiers: Orphanet 140162, MedGen C0027672, MeSH D009386, MONDO:0015356.

gnomAD v4.1: 1 of 1,614,142 alleles (0.000062%); highest among the groups gnomAD compares: African/African-American, 0.0013%; no homozygotes.

Submissions (2):

Labcorp Genetics (formerly Invitae), Labcorp
Classification: Uncertain significance for Hereditary nonpolyposis colorectal neoplasms. Last evaluated: 2023-09-26. Review status: criteria provided, single submitter. Criteria: Invitae Variant Classification Sherloc (09022015). Collection method: clinical testing. Allele origin: germline.
Comment: This sequence change replaces arginine, which is basic and polar, with serine, which is neutral and polar, at codon 577 of the MSH6 protein (p.Arg577Ser). This variant is not present in population databases (gnomAD no frequency). This missense change has been observed in individual(s) with clinical features of MSH6-related conditions (Invitae). ClinVar contains an entry for this variant (Variation ID: 479960). Advanced modeling of protein sequence and biophysical properties (such as structural, functional, and spatial information, amino acid conservation, physicochemical variation, residue mobility, and thermodynamic stability) performed at Invitae indicates that this missense variant is not expected to disrupt MSH6 protein function. In summary, the available evidence is currently insufficient to determine the role of this variant in disease. Therefore, it has been classified as a Variant of Uncertain Significance.

Ambry Genetics
Classification: Uncertain significance for Hereditary cancer-predisposing syndrome. Last evaluated: 2021-09-15. Review status: criteria provided, single submitter. Criteria: Ambry Variant Classification Scheme 2023. Collection method: clinical testing. Allele origin: germline.
Comment: The p.R577S variant (also known as c.1729C>A), located in coding exon 4 of the MSH6 gene, results from a C to A substitution at nucleotide position 1729. The arginine at codon 577 is replaced by serine, an amino acid with dissimilar properties. This amino acid position is highly conserved in available vertebrate species. In addition, this alteration is predicted to be deleterious by in silico analysis. Since supporting evidence is limited at this time, the clinical significance of this alteration remains unclear.

NM_000179.3(MSH6):c.1729C>A (p.Arg577Ser)

Gene: MSH6 (mutS homolog 6; plus strand). Cytogenetic location: 2p16.3.
Variant type: single nucleotide variant.
Coding change: c.1729C>A on transcript NM_000179.3 (MANE Select); coding-DNA position 1729, C replaced by A.
Protein change: p.Arg577Ser; replaces arginine 577 with serine.
Molecular consequence: missense variant.
Genome position (GRCh38, 1-based): chr2:47,799,712, C>A. VCF-style: chr2-47799712-C-A. GRCh37 (hg19) VCF-style: chr2-48026851-C-A.
Other names: c.1339C>A, p.Arg447Ser (NM_001281492.2); c.823C>A, p.Arg275Ser (NM_001281493.2, NM_001281494.2); short protein forms R577S, R275S, R447S.
Identifiers: ClinVar variation 479960 (VCV000479960.14), dbSNP rs542838372, ClinGen allele CA346748747.